The following is an entry in ClinVar:

NM_016239.4(MYO15A):c.3308G>C (p.Gly1103Ala)

Gene: MYO15A (myosin XVA; plus strand). Cytogenetic location: 17p11.2.
Variant type: single nucleotide variant.
Coding change: c.3308G>C on transcript NM_016239.4 (MANE Select); coding-DNA position 3308, G replaced by C.
Protein change: p.Gly1103Ala; replaces glycine 1103 with alanine.
Molecular consequence: missense variant.
Genome position (GRCh38, 1-based): chr17:18,122,108, G>C. VCF-style: chr17-18122108-G-C. GRCh37 (hg19) VCF-style: chr17-18025422-G-C.
Other names: short protein forms G1103A.
Identifiers: ClinVar variation 1408855 (VCV001408855.5), dbSNP rs750304417, ClinGen allele CA8423428.
Genomic context (GRCh38, chr17:18,122,108, plus strand): 5'-CACTGCCCCAAGCCGCAGCCCCCTTGGCGCCCATCAGGGCCCCAGAGCCCCTGCCCAAGG[G>C]GGGTGAACGGCGCCAGGCAGCCCCTGGGCGTTTTGCTGTGGTCATGCCTCGTGTGCAGAA-3'
Protein context (NP_057323.3, residues 1093-1113): PIRAPEPLPK[Gly1103Ala]GERRQAAPGR

ClinVar aggregate classification (germline): Uncertain significance (1 of 4 stars; one submission).

gnomAD v4.1: 38 of 1,612,810 alleles (0.0024%); highest among the groups gnomAD compares: Middle Eastern, 0.016%; 1 homozygote.

Submission:

Labcorp Genetics (formerly Invitae), Labcorp
Classification: Uncertain significance. Last evaluated: 2021-08-14. Review status: criteria provided, single submitter. Criteria: Invitae Variant Classification Sherloc (09022015). Collection method: clinical testing. Allele origin: germline.
Comment: This sequence change replaces glycine with alanine at codon 1103 of the MYO15A protein (p.Gly1103Ala). The glycine residue is weakly conserved and there is a small physicochemical difference between glycine and alanine. This variant is present in population databases (rs750304417, ExAC 0.01%). This variant has not been reported in the literature in individuals affected with MYO15A-related conditions. Advanced modeling of protein sequence and biophysical properties (such as structural, functional, and spatial information, amino acid conservation, physicochemical variation, residue mobility, and thermodynamic stability) performed at Invitae indicates that this missense variant is not expected to disrupt MYO15A protein function. In summary, the available evidence is currently insufficient to determine the role of this variant in disease. Therefore, it has been classified as a Variant of Uncertain Significance.